The following is an entry in ClinVar:

NM_001035.3(RYR2):c.14841G>T (p.Arg4947Ser)

Gene: RYR2 (ryanodine receptor 2; plus strand). Cytogenetic location: 1q43.
Variant type: single nucleotide variant.
Coding change: c.14841G>T on transcript NM_001035.3 (MANE Select); coding-DNA position 14841, G replaced by T.
Protein change: p.Arg4947Ser; replaces arginine 4947 with serine.
Molecular consequence: missense variant.
Genome position (GRCh38, 1-based): chr1:237,832,584, G>T. VCF-style: chr1-237832584-G-T. GRCh37 (hg19) VCF-style: chr1-237995884-G-T.
Other names: c.14841G>T, p.Arg4947Ser (LRG_402t1); short protein forms R4947S.
Identifiers: ClinVar variation 661132 (VCV000661132.17), dbSNP rs1252294768, ClinGen allele CA345410813.
Genomic context (GRCh38, chr1:237,832,584, plus strand): 5'-TGTTAATACATTTCCTTGACTTTTGCAGGAATCTTATGTCTGGAAGATGTATCAAGAAAG[G>T]TGTTGGGAATTTTTCCCAGCAGGGGATTGCTTCCGGAAACAGTATGAAGACCAGCTAAAT-3'
Protein context (NP_001026.2, residues 4937-4957): ESYVWKMYQE[Arg4947Ser]CWEFFPAGDC

ClinVar aggregate classification (germline): Uncertain significance. Review status: criteria provided, multiple submitters, no conflicts (2 of 4 stars). 5 submissions from 5 submitters: Uncertain significance (5). Last evaluated 2025-08-26.

Conditions:
Catecholaminergic polymorphic ventricular tachycardia (CVPT). Also called: Catecholamine-induced polymorphic ventricular tachycardia. Identifiers: Orphanet 3286, MedGen C5574922, MONDO:0017990.
Cardiomyopathy (CMYO). Also called: Cardiomyopathies. Identifiers: Orphanet 167848, MedGen C0878544, MONDO:0004994, HP:0001638. Inheritance: Various modes of inheritance.
Catecholaminergic polymorphic ventricular tachycardia 1. Also called: VENTRICULAR TACHYCARDIA, STRESS-INDUCED POLYMORPHIC 1; VENTRICULAR TACHYCARDIA, CATECHOLAMINERGIC POLYMORPHIC, 1, WITH OR WITHOUT ATRIAL DYSFUNCTION AND/OR DILATED CARDIOMYOPATHY; RYR2-Related Catecholaminergic Polymorphic Ventricular Tachycardia. Identifiers: Orphanet 3286, MedGen C1631597, MONDO:0011484, OMIM 604772.
Cardiovascular phenotype. Identifiers: MedGen CN230736.

Allele frequency attached by ClinVar (database versions not stated): TOPMed 0.00002; gnomAD exomes below 0.00001; gnomAD 0.00001.
gnomAD v4.1: 7 of 1,612,468 alleles (0.00043%); highest among the groups gnomAD compares: Non-Finnish European, 0.00059%; no homozygotes.

Submissions (5):

Labcorp Genetics (formerly Invitae), Labcorp
Classification: Uncertain significance for Catecholaminergic polymorphic ventricular tachycardia 1. Last evaluated: 2025-08-26. Review status: criteria provided, single submitter. Criteria: Invitae Variant Classification Sherloc (09022015). Collection method: clinical testing. Allele origin: germline.
Comment: This sequence change replaces arginine, which is basic and polar, with serine, which is neutral and polar, at codon 4947 of the RYR2 protein (p.Arg4947Ser). This variant is not present in population databases (gnomAD no frequency). This variant has not been reported in the literature in individuals affected with RYR2-related conditions. ClinVar contains an entry for this variant (Variation ID: 661132). Invitae Evidence Modeling of protein sequence and biophysical properties (such as structural, functional, and spatial information, amino acid conservation, physicochemical variation, residue mobility, and thermodynamic stability) indicates that this missense variant is expected to disrupt RYR2 protein function with a positive predictive value of 95%. In summary, the available evidence is currently insufficient to determine the role of this variant in disease. Therefore, it has been classified as a Variant of Uncertain Significance.

GeneDx
Classification: Uncertain significance. Last evaluated: 2025-01-16. Review status: criteria provided, single submitter. Criteria: GeneDx Variant Classification Process June 2021. Collection method: clinical testing. Allele origin: germline.
Comment: Has not been previously published as pathogenic or benign to our knowledge; Not observed at significant frequency in large population cohorts (gnomAD); In silico analysis supports that this missense variant has a deleterious effect on protein structure/function; This variant is associated with the following publications: (PMID: 19926015)

Ambry Genetics
Classification: Uncertain significance for Cardiovascular phenotype. Last evaluated: 2024-07-15. Review status: criteria provided, single submitter. Criteria: Ambry Variant Classification Scheme 2023. Collection method: clinical testing. Allele origin: germline.
Comment: The p.R4947S variant (also known as c.14841G>T), located in coding exon 105 of the RYR2 gene, results from a G to T substitution at nucleotide position 14841. The arginine at codon 4947 is replaced by serine, an amino acid with dissimilar properties. This amino acid position is highly conserved in available vertebrate species. In addition, this alteration is predicted to be deleterious by in silico analysis. Based on the available evidence, the clinical significance of this variant remains unclear.

All of Us Research Program, National Institutes of Health
Classification: Uncertain significance for Catecholaminergic polymorphic ventricular tachycardia. Last evaluated: 2023-12-01. Review status: criteria provided, single submitter. Criteria: ACMG Guidelines, 2015. Collection method: clinical testing. Allele origin: germline. Inheritance: Autosomal dominant inheritance. Observed: 2 variant alleles, 2 heterozygotes.
Comment: This missense variant replaces arginine with serine at codon 4947 of the RYR2 protein. Computational prediction tools and conservation analyses suggest that this variant may have deleterious impact on the protein function. Computational splicing tools suggest that this variant may not impact RNA splicing. To our knowledge, functional assays have not been performed for this variant nor has this variant been reported in individuals affected with cardiovascular disorders in the literature. This variant has not been identified in the general population by the Genome Aggregation Database (gnomAD). Available evidence is insufficient to determine the role of this variant in disease conclusively. Therefore, this variant is classified as a Variant of Uncertain Significance.

This study involves interpretation of variants in research participants for the purpose of population health screening. Participant phenotype was not available at the time of variant classification. Additional details can be found in publication PMID: 35346344, PMCID: PMC8962531

Color Diagnostics, LLC DBA Color Health
Classification: Uncertain significance for Cardiomyopathy. Last evaluated: 2023-09-06. Review status: criteria provided, single submitter. Criteria: ACMG Guidelines, 2015. Collection method: clinical testing. Allele origin: germline.
Comment: This variant is located in the RYR2 protein. Computational prediction suggests that this variant may have deleterious impact on protein structure and function (internally defined REVEL score threshold >= 0.7, PMID: 27666373). This variant occurs in a region of the RYR2 protein that is considered to be a hotspot for pathogenic variants that contribute to catecholaminergic polymorphic ventricular tachycardia susceptibility (PMID: 30696458). To our knowledge, functional studies have not been reported for this variant. This variant has not been reported in individuals affected with RYR2-related disorders in the literature. This variant has not been identified in the general population by the Genome Aggregation Database (gnomAD). The available evidence is insufficient to determine the role of this variant in disease conclusively. Therefore, this variant is classified as a Variant of Uncertain Significance.

Literature cited by the submitters: PubMed 30696458 (cited by Color Diagnostics, LLC DBA Color Health).